The following is an entry in ClinVar:

ClinVar aggregate classification (germline): Pathogenic/Likely pathogenic. Review status: criteria provided, multiple submitters, no conflicts (2 of 4 stars). 4 submissions from 4 submitters: Pathogenic (1); Likely pathogenic (1). 2 of the submissions do not count toward it. Last evaluated 2025-07-09.

Conditions:
Fanconi anemia complementation group C (FANCC). Also called: FANCONI PANCYTOPENIA, TYPE 3; FACC; Fanconi anemia, group C; FANCC-Related Fanconi Anemia. Identifiers: Orphanet 84, MedGen C3468041, MONDO:0009213, OMIM 227645.
Fanconi anemia (FA). Also called: Fanconi's anemia. Identifiers: Orphanet 84, MedGen C0015625, MeSH D005199, MONDO:0019391.

Allele frequency attached by ClinVar (database versions not stated): gnomAD exomes below 0.00001; TOPMed below 0.00001; ExAC 0.00001.
gnomAD v4.1: 1 of 1,614,148 alleles (0.000062%); highest among the groups gnomAD compares: Non-Finnish European, 0.000085%; no homozygotes.

Submissions (4):

Labcorp Genetics (formerly Invitae), Labcorp
Classification: Pathogenic for Fanconi anemia. Last evaluated: 2025-07-09. Review status: criteria provided, single submitter. Criteria: Invitae Variant Classification Sherloc (09022015). Collection method: clinical testing. Allele origin: germline.
Comment: This sequence change creates a premature translational stop signal (p.Arg270*) in the FANCC gene. It is expected to result in an absent or disrupted protein product. Loss-of-function variants in FANCC are known to be pathogenic (PMID: 17924555). This variant is present in population databases (rs776054094, gnomAD 0.0009%). This variant has not been reported in the literature in individuals affected with FANCC-related conditions. ClinVar contains an entry for this variant (Variation ID: 420449). For these reasons, this variant has been classified as Pathogenic.

GeneDx
Classification: Likely pathogenic. Last evaluated: 2016-05-31. Review status: criteria provided, single submitter. Criteria: GeneDx Variant Classification (06012015). Collection method: clinical testing. Allele origin: germline. Affected: yes.
Comment: This variant is denoted FANCC c.808A>T at the cDNA level and p.Arg270Ter (R270X) at the protein level. The substitution creates a nonsense variant, which changes an Arginine to a premature stop codon (AGA>TGA), and is predicted to cause loss of normal protein function through either protein truncation or nonsense-mediated mRNA decay. Although this variant has not, to our knowledge, been reported in the literature, it is considered likely pathogenic.

Natera, Inc.
Classification: Likely pathogenic for Fanconi anemia. Last evaluated: 2020-11-24. Review status: no assertion criteria provided. Collection method: clinical testing. Allele origin: germline. Not counted in ClinVar's aggregate classification.

Counsyl
Classification: Likely pathogenic for Fanconi anemia complementation group C. Last evaluated: 2016-11-11. Review status: no assertion criteria provided. Collection method: clinical testing. Allele origin: unknown. Not counted in ClinVar's aggregate classification.

Literature cited by the submitters: PubMed 17924555 (cited by Labcorp Genetics (formerly Invitae), Labcorp).

NM_000136.3(FANCC):c.808A>T (p.Arg270Ter)

Genes: AOPEP (aminopeptidase O (putative); plus strand), FANCC (FA complementation group C; minus strand). Cytogenetic location: 9q22.32.
Variant type: single nucleotide variant.
Coding change: c.808A>T on transcript NM_000136.3 (MANE Select); coding-DNA position 808, A replaced by T.
Protein change: p.Arg270Ter; replaces arginine 270 with a stop codon.
Molecular consequence: nonsense.
Genome position (GRCh38, 1-based): chr9:95,135,381, T>A on the plus strand (A>T on the coding strand, the complement: FANCC is on the minus strand). VCF-style: chr9-95135381-T-A. GRCh37 (hg19) VCF-style: chr9-97897663-T-A.
Other names: c.808A>T, p.Arg270Ter (NM_001243743.2, NM_001243744.2); short protein forms R270*.
Identifiers: ClinVar variation 420449 (VCV000420449.6), dbSNP rs776054094, ClinGen allele CA5137632.